The following is an entry in ClinVar:

ClinVar aggregate classification (germline): Uncertain significance (1 of 4 stars; one submission).

Submission:

Labcorp Genetics (formerly Invitae), Labcorp
Classification: Uncertain significance. Last evaluated: 2023-10-05. Review status: criteria provided, single submitter. Criteria: Invitae Variant Classification Sherloc (09022015). Collection method: clinical testing. Allele origin: germline.
Comment: This sequence change replaces alanine, which is neutral and non-polar, with serine, which is neutral and polar, at codon 288 of the PLG protein (p.Ala288Ser). This variant is not present in population databases (gnomAD no frequency). This variant has not been reported in the literature in individuals affected with PLG-related conditions. Advanced modeling of protein sequence and biophysical properties (such as structural, functional, and spatial information, amino acid conservation, physicochemical variation, residue mobility, and thermodynamic stability) performed at Invitae indicates that this missense variant is not expected to disrupt PLG protein function. In summary, the available evidence is currently insufficient to determine the role of this variant in disease. Therefore, it has been classified as a Variant of Uncertain Significance.

NM_000301.5(PLG):c.862G>T (p.Ala288Ser)

Gene: PLG (plasminogen; plus strand). Cytogenetic location: 6q26.
Variant type: single nucleotide variant.
Coding change: c.862G>T on transcript NM_000301.5 (MANE Select); coding-DNA position 862, G replaced by T.
Protein change: p.Ala288Ser; replaces alanine 288 with serine.
Molecular consequence: missense variant.
Genome position (GRCh38, 1-based): chr6:160,718,368, G>T. VCF-style: chr6-160718368-G-T. GRCh37 (hg19) VCF-style: chr6-161139400-G-T.
Other names: short protein forms A288S.
Identifiers: ClinVar variation 2800899 (VCV002800899.3), dbSNP rs1777777024, ClinGen allele CA366362628.
Genomic context (GRCh38, chr6:160,718,368, plus strand): 5'-TCTTCTGGTCCCACCTACCAGTGTCTGAAGGGAACAGGTGAAAACTATCGCGGGAATGTG[G>T]CTGTTACCGTGTCCGGGCACACCTGTCAGCACTGGAGTGCACAGACCCCTCACACACATA-3'
Protein context (NP_000292.1, residues 278-298): GTGENYRGNV[Ala288Ser]VTVSGHTCQH